The following is an entry in ClinVar:

ClinVar aggregate classification (germline): Benign. Review status: criteria provided, single submitter (1 of 4 stars). 2 submissions from 2 submitters: Benign (1). 1 of the submissions does not count toward it. Last evaluated 2026-06-01.

Conditions:
MAP3K6-related disorder. Also called: MAP3K6-related condition.

Allele frequency attached by ClinVar (database versions not stated): ESP Exome Variant Server 0.00023; 1000 Genomes Project 30x 0.00109; 1000 Genomes Project 0.00140.

Submissions (2):

CeGaT Center for Human Genetics Tuebingen
Classification: Benign. Last evaluated: 2026-06-01. Review status: criteria provided, single submitter. Criteria: CeGaT Center For Human Genetics Tuebingen Variant Classification Criteria Version 2. Collection method: clinical testing. Allele origin: germline. Affected: yes. Observed: 1 variant allele.
Comment: MAP3K6: BP4, BS1, BS2

PreventionGenetics, part of Exact Sciences
Classification: Likely benign for MAP3K6-related condition. Last evaluated: 2020-09-23. Review status: no assertion criteria provided. Collection method: clinical testing. Allele origin: germline. Not counted in ClinVar's aggregate classification.
Comment: This variant is classified as likely benign based on ACMG/AMP sequence variant interpretation guidelines (Richards et al. 2015 PMID: 25741868, with internal and published modifications).

NM_004672.5(MAP3K6):c.1162G>A (p.Val388Ile)

Gene: MAP3K6 (mitogen-activated protein kinase kinase kinase 6; minus strand). Cytogenetic location: 1p36.11.
Variant type: single nucleotide variant.
Coding change: c.1162G>A on transcript NM_004672.5 (MANE Select); coding-DNA position 1162, G replaced by A.
Protein change: p.Val388Ile; replaces valine 388 with isoleucine.
Molecular consequence: missense variant.
Genome position (GRCh38, 1-based): chr1:27,362,734, C>T on the plus strand (G>A on the coding strand, the complement: MAP3K6 is on the minus strand). VCF-style: chr1-27362734-C-T. GRCh37 (hg19) VCF-style: chr1-27689225-C-T.
Other names: c.1138G>A, p.Val380Ile (NM_001297609.2); short protein forms V380I, V388I.
Identifiers: ClinVar variation 3042635 (VCV003042635.4), dbSNP rs140079878, ClinGen allele CA713856.